The following is an entry in ClinVar:

NM_001710.6(CFB):c.1099A>C (p.Ser367Arg)

Gene: CFB (complement factor B; plus strand). Cytogenetic location: 6p21.33.
Variant type: single nucleotide variant.
Coding change: c.1099A>C on transcript NM_001710.6 (MANE Select); coding-DNA position 1099, A replaced by C.
Protein change: p.Ser367Arg; replaces serine 367 with arginine.
Molecular consequence: missense variant.
Genome position (GRCh38, 1-based): chr6:31,948,892, A>C. VCF-style: chr6-31948892-A-C. GRCh37 (hg19) VCF-style: chr6-31916669-A-C.
Other names: short protein forms S367R.
Identifiers: ClinVar variation 4280408 (VCV004280408.1).

ClinVar aggregate classification (germline): Pathogenic (1 of 4 stars; one submission).

Conditions:
Atypical hemolytic-uremic syndrome. Identifiers: Orphanet 2134, MedGen C2931788, MONDO:0016244.

Submission:

Genomenon, Inc
Classification: Pathogenic for Atypical hemolytic-uremic syndrome. Last evaluated: 2025-09-26. Review status: criteria provided, single submitter. Criteria: Genomenon Sequence Variant Interpretation Standards - Updated. Collection method: curation. Allele origin: germline. Affected: no.
Comment: CFB p.Ser367Arg (c.1099A>C) is a missense variant that changes the amino acid at residue 367 from Serine to Arginine. This variant has been reported in the published literature (PMID:25758434). At least one functional study has demonstrated a substantial alteration in protein function relative to the wild-type (PMID:32540405). It is absent or not present at a significant frequency in gnomAD. In silico models agree that this variant is possibly or probably damaging. Another cDNA variant that causes the same protein consequence has been determined to be pathogenic. In conclusion, we classify CFB p.Ser367Arg (c.1099A>C) as a pathogenic variant.

Literature cited by the submitters: PubMed 25758434.